The following is an entry in ClinVar:

ClinVar aggregate classification (germline): Conflicting classifications of pathogenicity. Review status: criteria provided, conflicting classifications (1 of 4 stars). 6 submissions from 6 submitters: Uncertain significance (4); Likely benign (1). 1 of the submissions does not count toward it. Last evaluated 2025-12-31.

Conditions:
Hereditary cancer-predisposing syndrome. Also called: Hereditary Cancer Syndrome; Neoplastic Syndromes, Hereditary; Hereditary neoplastic syndrome; Tumor predisposition. Identifiers: Orphanet 140162, MedGen C0027672, MeSH D009386, MONDO:0015356.
POLD1-related polyposis and colorectal cancer syndrome (CRCS10). Also called: COLORECTAL CANCER, SUSCEPTIBILITY TO, ON CHROMOSOME 19q; Colorectal cancer 10; Colorectal cancer, susceptibility to, 10. Identifiers: Orphanet 220460, MedGen C2675481, MONDO:0012953, OMIM 612591.

Allele frequency attached by ClinVar (database versions not stated): gnomAD exomes 0.00001; ExAC 0.00002; gnomAD 0.00002; TOPMed 0.00003.

Submissions (6):

Labcorp Genetics (formerly Invitae), Labcorp
Classification: Uncertain significance for POLD1-related polyposis and colorectal cancer syndrome. Last evaluated: 2025-12-31. Review status: criteria provided, single submitter. Criteria: Invitae Variant Classification Sherloc (09022015). Collection method: clinical testing. Allele origin: germline.
Comment: This sequence change replaces glycine, which is neutral and non-polar, with arginine, which is basic and polar, at codon 157 of the POLD1 protein (p.Gly157Arg). This variant is present in population databases (rs774568050, gnomAD 0.006%). This variant has not been reported in the literature in individuals affected with POLD1-related conditions. ClinVar contains an entry for this variant (Variation ID: 239349). Invitae Evidence Modeling of protein sequence and biophysical properties (such as structural, functional, and spatial information, amino acid conservation, physicochemical variation, residue mobility, and thermodynamic stability) indicates that this missense variant is not expected to disrupt POLD1 protein function with a negative predictive value of 80%. RNA analysis performed to evaluate the impact of this missense change on mRNA splicing indicates it does not significantly alter splicing (internal data). In summary, the available evidence is currently insufficient to determine the role of this variant in disease. Therefore, it has been classified as a Variant of Uncertain Significance.

Ambry Genetics
Classification: Likely benign for Hereditary cancer-predisposing syndrome. Last evaluated: 2024-12-05. Review status: criteria provided, single submitter. Criteria: Ambry Variant Classification Scheme 2023. Collection method: clinical testing. Allele origin: germline.

GeneDx
Classification: Uncertain significance. Last evaluated: 2024-08-26. Review status: criteria provided, single submitter. Criteria: GeneDx Variant Classification Process June 2021. Collection method: clinical testing. Allele origin: germline. Affected: yes.
Comment: Not observed at significant frequency in large population cohorts (gnomAD); In silico analysis indicates that this missense variant does not alter protein structure/function; Has not been previously published as pathogenic or benign to our knowledge; In silico analysis suggests this variant may impact gene splicing. In the absence of RNA/functional studies, the actual effect of this sequence change is unknown.

Molecular Pathology, Peter Maccallum Cancer Centre
Classification: Uncertain significance for POLD1-related polyposis and colorectal cancer syndrome. Last evaluated: 2024-04-14. Review status: criteria provided, single submitter. Criteria: ACMG Guidelines, 2015. Collection method: clinical testing. Allele origin: germline. Inheritance: Autosomal dominant inheritance.

Quest Diagnostics Nichols Institute San Juan Capistrano
Classification: Uncertain significance. Last evaluated: 2019-06-07. Review status: criteria provided, single submitter. Criteria: Quest Diagnostics criteria. Collection method: clinical testing. Allele origin: germline.

Counsyl
Classification: Uncertain significance for POLD1-related polyposis and colorectal cancer syndrome. Last evaluated: 2018-03-19. Review status: no assertion criteria provided. Collection method: clinical testing. Allele origin: unknown. Not counted in ClinVar's aggregate classification.

NM_002691.4(POLD1):c.469G>A (p.Gly157Arg)

Gene: POLD1 (DNA polymerase delta 1, catalytic subunit; plus strand). Cytogenetic location: 19q13.33.
Variant type: single nucleotide variant.
Coding change: c.469G>A on transcript NM_002691.4 (MANE Select); coding-DNA position 469, G replaced by A.
Protein change: p.Gly157Arg; replaces glycine 157 with arginine.
Molecular consequence: missense variant. On other transcripts: non-coding transcript variant (1).
Genome position (GRCh38, 1-based): chr19:50,402,004, G>A. VCF-style: chr19-50402004-G-A. GRCh37 (hg19) VCF-style: chr19-50905261-G-A.
Other names: c.469G>A, p.Gly157Arg (NM_001256849.1, NM_001308632.1); short protein forms G157R.
Identifiers: ClinVar variation 239349 (VCV000239349.24), dbSNP rs774568050, ClinGen allele CA9595755.